The following is an entry in ClinVar:

NM_000492.4(CFTR):c.3945A>G (p.Ile1315Met)

Gene: CFTR (CF transmembrane conductance regulator; plus strand). Cytogenetic location: 7q31.2.
Variant type: single nucleotide variant.
Coding change: c.3945A>G on transcript NM_000492.4 (MANE Select); coding-DNA position 3945, A replaced by G.
Protein change: p.Ile1315Met; replaces isoleucine 1315 with methionine.
Molecular consequence: missense variant.
Genome position (GRCh38, 1-based): chr7:117,652,913, A>G. VCF-style: chr7-117652913-A-G. GRCh37 (hg19) VCF-style: chr7-117292967-A-G.
Other names: short protein forms I1315M.
Identifiers: ClinVar variation 439489 (VCV000439489.15), dbSNP rs1554396417, ClinGen allele CA368978585.

ClinVar aggregate classification (germline): Uncertain significance. Review status: criteria provided, multiple submitters, no conflicts (2 of 4 stars). 4 submissions from 4 submitters: Uncertain significance (4). Last evaluated 2025-06-23.

Conditions:
Cystic fibrosis (CF). Also called: MUCOVISCIDOSIS. Identifiers: Orphanet 586, MedGen C0010674, MONDO:0009061, OMIM 219700. Disease mechanism: loss of function.

Allele frequency attached by ClinVar (database versions not stated): TOPMed below 0.00001; gnomAD exomes below 0.00001.
gnomAD v4.1: 2 of 1,604,526 alleles (0.00012%); highest among the groups gnomAD compares: Non-Finnish European, 0.00017%; no homozygotes.

Submissions (4):

Labcorp Genetics (formerly Invitae), Labcorp
Classification: Uncertain significance for Cystic fibrosis. Last evaluated: 2025-06-23. Review status: criteria provided, single submitter. Criteria: Invitae Variant Classification Sherloc (09022015). Collection method: clinical testing. Allele origin: germline.
Comment: This sequence change replaces isoleucine, which is neutral and non-polar, with methionine, which is neutral and non-polar, at codon 1315 of the CFTR protein (p.Ile1315Met). This variant is not present in population databases (gnomAD no frequency). This variant has not been reported in the literature in individuals affected with CFTR-related conditions. ClinVar contains an entry for this variant (Variation ID: 439489). Invitae Evidence Modeling of protein sequence and biophysical properties (such as structural, functional, and spatial information, amino acid conservation, physicochemical variation, residue mobility, and thermodynamic stability) has been performed for this missense variant. However, the output from this modeling did not meet the statistical confidence thresholds required to predict the impact of this variant on CFTR protein function. In summary, the available evidence is currently insufficient to determine the role of this variant in disease. Therefore, it has been classified as a Variant of Uncertain Significance.

Genome-Nilou Lab
Classification: Uncertain significance for Cystic fibrosis. Last evaluated: 2021-09-05. Review status: criteria provided, single submitter. Criteria: ACMG Guidelines, 2015. Collection method: clinical testing. Allele origin: germline. Affected: no.

Women's Health and Genetics/Laboratory Corporation of America, LabCorp
Classification: Uncertain significance. Last evaluated: 2021-08-08. Review status: criteria provided, single submitter. Criteria: LabCorp Variant Classification Summary - May 2015. Collection method: clinical testing. Allele origin: germline.
Comment: Variant summary: CFTR c.3945A>G (p.Ile1315Met) results in a conservative amino acid change located in the ABC transporter type 1, transmembrane domain (IPR011527) of the encoded protein sequence. Four of five in-silico tools predict a damaging effect of the variant on protein function. The variant was absent in 250492 control chromosomes. The available data on variant occurrences in the general population are insufficient to allow any conclusion about variant significance. To our knowledge, no occurrence of c.3945A>G in individuals affected with Cystic Fibrosis and no experimental evidence demonstrating its impact on protein function have been reported. One clinical diagnostic laboratory has submitted clinical-significance assessments for this variant to ClinVar after 2014 without evidence for independent evaluation and classified the variant as uncertain significance. Based on the evidence outlined above, the variant was classified as uncertain significance.

ARUP Laboratories, Molecular Genetics and Genomics, ARUP Laboratories
Classification: Uncertain significance. Last evaluated: 2017-02-14. Review status: criteria provided, single submitter. Criteria: ARUP Molecular Germline Variant Investigation Process. Collection method: clinical testing. Allele origin: germline.

Literature cited by the submitters: PubMed 23503723 (cited by Women's Health and Genetics/Laboratory Corporation of America, LabCorp).